The following is an entry in ClinVar:

ClinVar aggregate classification (germline): Benign/Likely benign. Review status: criteria provided, multiple submitters, no conflicts (2 of 4 stars). 3 submissions from 3 submitters: Benign (1); Likely benign (2). Last evaluated 2025-04-02.

Allele frequency attached by ClinVar (database versions not stated): TOPMed 0.00003; gnomAD 0.00007 and below 0.00001; 1000 Genomes Project 30x 0.00016; 1000 Genomes Project 0.00020; gnomAD exomes 0.00021 and 0.00034; ExAC 0.00046.
gnomAD v4.1: 310 of 1,598,532 alleles (0.019%); highest among the groups gnomAD compares: South Asian, 0.33%; 3 homozygotes.

Submissions (3):

Labcorp Genetics (formerly Invitae), Labcorp
Classification: Benign. Last evaluated: 2025-04-02. Review status: criteria provided, single submitter. Criteria: Invitae Variant Classification Sherloc (09022015). Collection method: clinical testing. Allele origin: germline.

CeGaT Center for Human Genetics Tuebingen
Classification: Likely benign. Last evaluated: 2024-01-01. Review status: criteria provided, single submitter. Criteria: CeGaT Center For Human Genetics Tuebingen Variant Classification Criteria Version 2. Collection method: clinical testing. Allele origin: germline. Affected: yes. Observed: 1 variant allele.
Comment: TRAPPC9: BP4, BP7

Blueprint Genetics
Classification: Likely benign. Last evaluated: 2023-08-22. Review status: criteria provided, single submitter. Criteria: ACMG Guidelines, 2015. Collection method: clinical testing. Allele origin: germline.

NM_001160372.4(TRAPPC9):c.3087C>T (p.Arg1029=)

Gene: TRAPPC9 (trafficking protein particle complex subunit 9; minus strand). Cytogenetic location: 8q24.3.
Variant type: single nucleotide variant.
Coding change: c.3087C>T on transcript NM_001160372.4 (MANE Select); coding-DNA position 3087, C replaced by T.
Protein change: p.Arg1029=; no amino-acid change (arginine 1029 retained).
Molecular consequence: synonymous variant. On other transcripts: non-coding transcript variant (1).
Genome position (GRCh38, 1-based): chr8:139,732,171, G>A on the plus strand (C>T on the coding strand, the complement: TRAPPC9 is on the minus strand). VCF-style: chr8-139732171-G-A. GRCh37 (hg19) VCF-style: chr8-140744414-G-A.
Other names: c.3060C>T, p.Arg1020= (NM_001321646.2); c.3108C>T, p.Arg1036= (NM_001374682.1); c.2976C>T, p.Arg992= (NM_001374683.1); c.2943C>T, p.Arg981= (NM_001374684.1); c.3087C>T, p.Arg1029= (NM_031466.8).
Identifiers: ClinVar variation 721494 (VCV000721494.31), dbSNP rs561829257, ClinGen allele CA4892811.